The following is an entry in ClinVar:

ClinVar aggregate classification (germline): Likely pathogenic (1 of 4 stars; one submission).

Conditions:
Hypertrophic cardiomyopathy 9. Also called: Familial hypertrophic cardiomyopathy 9. Identifiers: MedGen C1861065, MONDO:0013412, OMIM 613765.
Myopathy, myofibrillar, 9, with early respiratory failure (MFM9). Also called: Hereditary myopathy with early respiratory failure; EDSTROM MYOPATHY; MYOPATHY, PROXIMAL, WITH EARLY RESPIRATORY MUSCLE INVOLVEMENT; Myopathy, distal, with early respiratory failure, autosomal dominant. Identifiers: Orphanet 178464, Orphanet 34521, MedGen C1863599, MONDO:0011362, OMIM 603689.
Early-onset myopathy with fatal cardiomyopathy (CMYO5). Also called: CONGENITAL MYOPATHY 5 WITH CARDIOMYOPATHY; Salih Myopathy. Identifiers: Orphanet 289377, MedGen C2673677, MONDO:0012714, OMIM 611705. Disease mechanism: loss of function.
Autosomal recessive limb-girdle muscular dystrophy type 2J (LGMDR10). Also called: Limb-girdle muscular dystrophy, type 2J; MUSCULAR DYSTROPHY, LIMB-GIRDLE, AUTOSOMAL RECESSIVE 10. Identifiers: Orphanet 140922, MedGen C1837342, MONDO:0012127, OMIM 608807.
Dilated cardiomyopathy 1G (CMD1G). Identifiers: Orphanet 154, MedGen C1858763, MONDO:0011400, OMIM 604145.
Tibial muscular dystrophy (TMD). Also called: UDD MYOPATHY; Udd Distal Myopathy – Tibial Muscular Dystrophy; Tibial muscular dystrophy, tardive. Identifiers: Orphanet 609, MedGen C1838244, MONDO:0010870, OMIM 600334.

Submission:

Juno Genomics, Hangzhou Juno Genomics, Inc
Classification: Likely pathogenic for Early-onset myopathy with fatal cardiomyopathy; Dilated cardiomyopathy 1G; Hypertrophic cardiomyopathy 9; Autosomal recessive limb-girdle muscular dystrophy type 2J; Myopathy, myofibrillar, 9, with early respiratory failure; Tibial muscular dystrophy. Review status: criteria provided, single submitter. Criteria: ACMG Guidelines, 2015. Collection method: clinical testing. Allele origin: germline.
Comment: Null variant in a gene where loss of function (LOF) is a known mechanism of disease.;Absent from controls (or at extremely low frequency if recessive) in Genome Aggregation Database.

NM_001267550.2(TTN):c.34304del (p.Pro11435fs)

Gene: TTN (titin; minus strand). Cytogenetic location: 2q31.2.
Variant type: Deletion.
Coding change: c.34304del on transcript NM_001267550.2 (MANE Select); coding-DNA position 34304, one base deleted (C; older notation c.34304delC).
Protein change: p.Pro11435fs; shifts the reading frame from proline 11435.
Molecular consequence: frameshift variant. On other transcripts: intron variant (5).
Genome position (GRCh38, 1-based): chr2:178,677,275, G deleted on the plus strand (C on the coding strand, the reverse complement: TTN is on the minus strand); the first of 2 consecutive G bases (chr2:178,677,275-178,677,276); deleting either gives the same sequence. VCF-style (leftmost placement, unchanged base first): chr2-178677274-TG-T. GRCh37 (hg19) VCF-style: chr2-179542001-TG-T.
Other names: c.13283-34958del (NM_003319.4); c.13859-34958del (NM_133437.4); c.13658-34958del (NM_133432.3); c.30559+346del (NM_133378.4); c.33340+346del (NM_001256850.1); short protein forms P11435fs.
Identifiers: ClinVar variation 5006155 (VCV005006155.2).